The following is an entry in ClinVar:

ClinVar aggregate classification (germline): Uncertain significance (1 of 4 stars; one submission).

Conditions:
Hereditary cancer-predisposing syndrome. Also called: Tumor predisposition; Neoplastic Syndromes, Hereditary; Hereditary Cancer Syndrome; Hereditary neoplastic syndrome. Identifiers: Orphanet 140162, MedGen C0027672, MeSH D009386, MONDO:0015356.

Submission:

Ambry Genetics
Classification: Uncertain significance for Hereditary cancer-predisposing syndrome. Last evaluated: 2022-03-02. Review status: criteria provided, single submitter. Criteria: Ambry Variant Classification Scheme 2023. Collection method: clinical testing. Allele origin: germline.
Comment: The p.V1049D variant (also known as c.3146T>A), located in coding exon 23 of the MSH3 gene, results from a T to A substitution at nucleotide position 3146. The valine at codon 1049 is replaced by aspartic acid, an amino acid with highly dissimilar properties. This amino acid position is conserved. In addition, this alteration is predicted to be tolerated by in silico analysis. Since supporting evidence is limited at this time, the clinical significance of this alteration remains unclear.

NM_002439.5(MSH3):c.3146T>A (p.Val1049Asp)

Gene: MSH3 (mutS homolog 3; plus strand). Cytogenetic location: 5q14.1.
Variant type: single nucleotide variant.
Coding change: c.3146T>A on transcript NM_002439.5 (MANE Select); coding-DNA position 3146, T replaced by A.
Protein change: p.Val1049Asp; replaces valine 1049 with aspartic acid.
Molecular consequence: missense variant.
Genome position (GRCh38, 1-based): chr5:80,873,131, T>A. VCF-style: chr5-80873131-T-A. GRCh37 (hg19) VCF-style: chr5-80168950-T-A.
Other names: short protein forms V1049D.
Identifiers: ClinVar variation 1728133 (VCV001728133.2), dbSNP rs2112128596, ClinGen allele CA360346815.